The following is an entry in ClinVar:

NM_052947.4(ALPK2):c.1663G>C (p.Glu555Gln)

Gene: ALPK2 (alpha kinase 2; minus strand). Cytogenetic location: 18q21.31.
Variant type: single nucleotide variant.
Coding change: c.1663G>C on transcript NM_052947.4 (MANE Select); coding-DNA position 1663, G replaced by C.
Protein change: p.Glu555Gln; replaces glutamic acid 555 with glutamine.
Molecular consequence: missense variant.
Genome position (GRCh38, 1-based): chr18:58,579,113, C>G on the plus strand (G>C on the coding strand, the complement: ALPK2 is on the minus strand). VCF-style: chr18-58579113-C-G. GRCh37 (hg19) VCF-style: chr18-56246345-C-G.
Other names: short protein forms E555Q.
Identifiers: ClinVar variation 2449231 (VCV002449231.2), dbSNP rs2518898724, ClinGen allele CA402561064.
Genomic context (GRCh38, chr18:58,579,113, plus strand): 5'-GTGGGGGCTCAGCAGATTCTTTGGCAGAGCAGAGATGAAGGGTACCTTCTGTTGTACTTT[C>G]TCTCAGGTTGGCATTCGGCTTCTTGGGATTTCCCTTCATTCCCGGCTGCCTCACCCTGGC-3'
Protein context (NP_443179.3, residues 545-565): NPKKPNANLR[Glu555Gln]STTEGTLHLC

ClinVar aggregate classification (germline): Uncertain significance (1 of 4 stars; one submission).

Allele frequency attached by ClinVar (database versions not stated): gnomAD exomes below 0.00001.
gnomAD v4.1: 1 of 1,614,222 alleles (0.000062%); highest among the groups gnomAD compares: Non-Finnish European, 0.000085%; no homozygotes.

Submission:

Ambry Genetics
Classification: Uncertain significance. Last evaluated: 2022-12-16. Review status: criteria provided, single submitter. Criteria: Ambry Variant Classification Scheme 2023. Collection method: clinical testing. Allele origin: germline.
Comment: The p.E555Q variant (also known as c.1663G>C), located in coding exon 3 of the ALPK2 gene, results from a G to C substitution at nucleotide position 1663. The glutamic acid at codon 555 is replaced by glutamine, an amino acid with highly similar properties. This amino acid position is conserved. In addition, this alteration is predicted to be tolerated by in silico analysis. Since supporting evidence is limited at this time, the clinical significance of this alteration remains unclear.